The following is an entry in ClinVar:

NM_007255.3(B4GALT7):c.86G>A (p.Cys29Tyr)

Gene: B4GALT7 (beta-1,4-galactosyltransferase 7; plus strand). Cytogenetic location: 5q35.3.
Variant type: single nucleotide variant.
Coding change: c.86G>A on transcript NM_007255.3 (MANE Select); coding-DNA position 86, G replaced by A.
Protein change: p.Cys29Tyr; replaces cysteine 29 with tyrosine.
Molecular consequence: missense variant.
Genome position (GRCh38, 1-based): chr5:177,604,214, G>A. VCF-style: chr5-177604214-G-A. GRCh37 (hg19) VCF-style: chr5-177031215-G-A.
Other names: short protein forms C29Y.
Identifiers: ClinVar variation 1953563 (VCV001953563.5), dbSNP rs761147452, ClinGen allele CA362372513.

ClinVar aggregate classification (germline): Uncertain significance (1 of 4 stars; one submission).

Conditions:
Spondylodysplastic Ehlers-Danlos syndrome. Identifiers: Orphanet 536471, Orphanet 75496, MedGen C5680154, MONDO:0007526.

Submission:

Labcorp Genetics (formerly Invitae), Labcorp
Classification: Uncertain significance for Spondylodysplastic Ehlers-Danlos syndrome. Last evaluated: 2022-05-17. Review status: criteria provided, single submitter. Criteria: Invitae Variant Classification Sherloc (09022015). Collection method: clinical testing. Allele origin: germline.
Comment: In summary, the available evidence is currently insufficient to determine the role of this variant in disease. Therefore, it has been classified as a Variant of Uncertain Significance. Algorithms developed to predict the effect of missense changes on protein structure and function output the following: SIFT: "Deleterious"; PolyPhen-2: "Benign"; Align-GVGD: "Class C0". The tyrosine amino acid residue is found in multiple mammalian species, which suggests that this missense change does not adversely affect protein function. This variant has not been reported in the literature in individuals affected with B4GALT7-related conditions. This variant is not present in population databases (gnomAD no frequency). This sequence change replaces cysteine, which is neutral and slightly polar, with tyrosine, which is neutral and polar, at codon 29 of the B4GALT7 protein (p.Cys29Tyr).